The following is an entry in ClinVar:

NM_025114.4(CEP290):c.5803G>T (p.Glu1935Ter)

Gene: CEP290 (centrosomal protein 290; minus strand). Cytogenetic location: 12q21.32.
Variant type: single nucleotide variant.
Coding change: c.5803G>T on transcript NM_025114.4 (MANE Select); coding-DNA position 5803, G replaced by T.
Protein change: p.Glu1935Ter; replaces glutamic acid 1935 with a stop codon.
Molecular consequence: nonsense.
Genome position (GRCh38, 1-based): chr12:88,071,833, C>A on the plus strand (G>T on the coding strand, the complement: CEP290 is on the minus strand). VCF-style: chr12-88071833-C-A. GRCh37 (hg19) VCF-style: chr12-88465610-C-A.
Other names: short protein forms E1935*.
Identifiers: ClinVar variation 282259 (VCV000282259.59), dbSNP rs886042360, ClinGen allele CA10604125.
Genomic context (GRCh38, chr12:88,071,833, plus strand): 5'-AAACTCACTTGGCAAAAAGATCCTTCAAAGTATTCAACTGCTTTGTTAAAGTAAAGACTT[C>A]CCCCTCTTTCTCTTTTAACTTGTTTCGAATTCCTTCTATTTTGGCTTGCCACTTTTTACC-3'

ClinVar aggregate classification (germline): Pathogenic/Likely pathogenic. Review status: criteria provided, multiple submitters, no conflicts (2 of 4 stars). 8 submissions from 8 submitters: Pathogenic (6); Likely pathogenic (2). Last evaluated 2025-07-14.

Conditions:
CEP290-related disorder. Also called: CEP290-related condition; CEP290-related disorders. Identifiers: MedGen CN239314.
CEP290-related ciliopathy. Also called: CEP290 ciliopathy. Identifiers: MedGen CN305601, MONDO:0100451.
Joubert syndrome. Also called: JOUBERT-BOLTSHAUSER SYNDROME; Familial aplasia of the vermis. Identifiers: Orphanet 475, MedGen C5979921, MONDO:0018772.
Nephronophthisis. Also called: Juvenile Nephronophthisis. Identifiers: Orphanet 655, MedGen C0687120, MONDO:0019005, HP:0000090.
Meckel-Gruber syndrome. Also called: DYSENCEPHALIA SPLANCHNOCYSTICA; GRUBER SYNDROME; Dysencephalia splachnocystica. Identifiers: Orphanet 564, MedGen C0265215, MONDO:0018921.
Leber congenital amaurosis (LCA). Also called: Leber's amaurosis. Identifiers: Orphanet 65, MedGen C0339527, MeSH D057130, MONDO:0018998.
Bardet-Biedl syndrome 14 (BBS14). Identifiers: Orphanet 110, MedGen C2673874, MONDO:0014442, OMIM 615991.

Submissions (9):

PreventionGenetics, part of Exact Sciences
Classification: Pathogenic for CEP290-related condition. Last evaluated: 2025-07-14. Review status: criteria provided, single submitter. Criteria: ACMG Guidelines, 2015. Collection method: clinical testing. Allele origin: germline.
Comment: The CEP290 c.5803G>T variant is predicted to result in premature protein termination (p.Glu1935*). This variant has been reported in an individual presenting with Leber congenital amaurosis who was also positive for a second variant in CEP290 (Table S2, #140, Weisschuh et al. 2020. PubMed ID: 32531858). This variant has not been reported in a large population database (gnomAD), indicating this variant is rare. Nonsense variants in CEP290 are expected to be pathogenic. This variant is interpreted as pathogenic.

Natera, Inc.
Classification: Likely pathogenic for Leber congenital amaurosis. Last evaluated: 2025-06-20. Review status: criteria provided, single submitter. Criteria: Natera Variant Classification Schema (03/2026). Collection method: clinical testing. Allele origin: germline.
Comment: The c.5803G>T variant in CEP290 is a nonsense variant predicted to introduce a stop codon at amino acid 1935. This variant is expected to result in nonsense mediated decay, truncation, or a dysfunctional protein product. This variant is rare in the general population with a frequency below the threshold expected for the associated phenotype(s). Given the available evidence, this variant is classified as Likely Pathogenic.

Myriad Genetics, Inc.
Classification: Pathogenic for CEP290-related ciliopathy. Last evaluated: 2024-04-24. Review status: criteria provided, single submitter. Criteria: Myriad Autosomal Dominant, Autosomal Recessive and X-Linked Classification Criteria (2023). Collection method: clinical testing. Allele origin: unknown.
Comment: NM_025114.3(CEP290):c.5803G>T(E1935*) is expected to be pathogenic in the context of CEP290-related disorders. This variant is predicted to lead to an abnormal or absent protein product due to the creation of a premature termination codon in CEP290, a gene where loss-of-function variants are known to be pathogenic. Please note: this variant was assessed in the context of healthy population screening.

Labcorp Genetics (formerly Invitae), Labcorp
Classification: Pathogenic for Joubert syndrome; Meckel-Gruber syndrome; Nephronophthisis. Last evaluated: 2024-02-18. Review status: criteria provided, single submitter. Criteria: Invitae Variant Classification Sherloc (09022015). Collection method: clinical testing. Allele origin: germline.
Comment: This sequence change creates a premature translational stop signal (p.Glu1935*) in the CEP290 gene. It is expected to result in an absent or disrupted protein product. Loss-of-function variants in CEP290 are known to be pathogenic (PMID: 16909394, 17345604, 20690115). This variant is not present in population databases (gnomAD no frequency). This variant has not been reported in the literature in individuals affected with CEP290-related conditions. ClinVar contains an entry for this variant (Variation ID: 282259). Algorithms developed to predict the effect of sequence changes on RNA splicing suggest that this variant may disrupt the consensus splice site. For these reasons, this variant has been classified as Pathogenic.

Baylor Genetics
Classification: Likely pathogenic for Bardet-Biedl syndrome 14. Last evaluated: 2023-03-24. Review status: criteria provided, single submitter. Criteria: ACMG Guidelines, 2015. Collection method: clinical testing. Allele origin: unknown.

Molecular Genetics Laboratory, Institute for Ophthalmic Research
Classification: Pathogenic for Leber congenital amaurosis. Last evaluated: 2020-01-09. Review status: criteria provided, single submitter. Criteria: ACMG Guidelines, 2015. Collection method: research. Allele origin: germline. Affected: yes.

CeGaT Center for Human Genetics Tuebingen
Classification: Pathogenic. Last evaluated: 2018-06-01. Review status: criteria provided, single submitter. Criteria: CeGaT Center For Human Genetics Tuebingen Variant Classification Criteria Version 2. Collection method: clinical testing. Allele origin: germline. Affected: yes. Observed: 1 variant allele.

Eurofins Ntd Llc (ga)
Classification: Pathogenic. Last evaluated: 2015-08-11. Review status: criteria provided, single submitter. Criteria: EGL Classification Definitions 2015. Collection method: clinical testing. Allele origin: germline. Observed: 1 variant allele, 1 heterozygote.

Dr. Peter K. Rogan Lab, Western University
No classification provided (evidence only). Condition: Thyroid cancer, nonmedullary, 1. Review status: no classification provided. Collection method: in vitro. Allele origin: not applicable. Functional consequence: retained intron. Not counted in ClinVar's aggregate classification.

Literature cited by the submitters: PubMed 16909394 (cited by Labcorp Genetics (formerly Invitae), Labcorp); PubMed 17345604 (cited by Labcorp Genetics (formerly Invitae), Labcorp); PubMed 20690115 (cited by Labcorp Genetics (formerly Invitae), Labcorp).